The following is an entry in ClinVar:

ClinVar aggregate classification (germline): Uncertain significance (1 of 4 stars; one submission).

Allele frequency attached by ClinVar (database versions not stated): gnomAD exomes below 0.00001.
gnomAD v4.1: 4 of 1,611,638 alleles (0.00025%); highest among the groups gnomAD compares: South Asian, 0.0011%; no homozygotes.

Submission:

Labcorp Genetics (formerly Invitae), Labcorp
Classification: Uncertain significance. Last evaluated: 2023-12-23. Review status: criteria provided, single submitter. Criteria: Invitae Variant Classification Sherloc (09022015). Collection method: clinical testing. Allele origin: germline.
Comment: This sequence change replaces arginine, which is basic and polar, with tryptophan, which is neutral and slightly polar, at codon 4780 of the HMCN1 protein (p.Arg4780Trp). This variant is not present in population databases (gnomAD no frequency). This variant has not been reported in the literature in individuals affected with HMCN1-related conditions. An algorithm developed to predict the effect of missense changes on protein structure and function (PolyPhen-2) suggests that this variant is likely to be disruptive. In summary, the available evidence is currently insufficient to determine the role of this variant in disease. Therefore, it has been classified as a Variant of Uncertain Significance.

NM_031935.3(HMCN1):c.14338C>T (p.Arg4780Trp)

Gene: HMCN1 (hemicentin 1; plus strand). Cytogenetic location: 1q31.1.
Variant type: single nucleotide variant.
Coding change: c.14338C>T on transcript NM_031935.3 (MANE Select); coding-DNA position 14338, C replaced by T.
Protein change: p.Arg4780Trp; replaces arginine 4780 with tryptophan.
Molecular consequence: missense variant.
Genome position (GRCh38, 1-based): chr1:186,145,474, C>T. VCF-style: chr1-186145474-C-T. GRCh37 (hg19) VCF-style: chr1-186114606-C-T.
Other names: short protein forms R4780W.
Identifiers: ClinVar variation 2804400 (VCV002804400.3), dbSNP rs1353587559, ClinGen allele CA343916578.
Genomic context (GRCh38, chr1:186,145,474, plus strand): 5'-TGGAGTCCTTGGAGTGGCTGGGGAACATGCAGCCGGACGTGTAACGGAGGGCAGATGCGG[C>T]GGTACCGCACATGTGATAACCCTCCTCCCTCCAATGGGGGAAGAGCTTGTGGGGGACCAG-3'
Protein context (NP_114141.2, residues 4770-4790): SRTCNGGQMR[Arg4780Trp]YRTCDNPPPS